The following is an entry in ClinVar:

NM_001690.4(ATP6V1A):c.416A>G (p.Lys139Arg)

Gene: ATP6V1A (ATPase H+ transporting V1 subunit A; plus strand). Cytogenetic location: 3q13.31.
Variant type: single nucleotide variant.
Coding change: c.416A>G on transcript NM_001690.4 (MANE Select); coding-DNA position 416, A replaced by G.
Protein change: p.Lys139Arg; replaces lysine 139 with arginine.
Molecular consequence: missense variant.
Genome position (GRCh38, 1-based): chr3:113,784,428, A>G. VCF-style: chr3-113784428-A-G. GRCh37 (hg19) VCF-style: chr3-113503275-A-G.
Other names: c.416A>G (NM_001690.3); short protein forms K139R.
Identifiers: ClinVar variation 2159888 (VCV002159888.5), dbSNP rs550264040, ClinGen allele CA2547820.

ClinVar aggregate classification (germline): Benign/Likely benign. Review status: criteria provided, multiple submitters, no conflicts (2 of 4 stars). 2 submissions from 2 submitters: Benign (1); Likely benign (1). Last evaluated 2025-12-11.

Conditions:
ATP6V1A-related disorder. Also called: ATP6V1A-related condition.

Allele frequency attached by ClinVar (database versions not stated): TOPMed 0.00004; gnomAD 0.00015; gnomAD exomes 0.00020; ExAC 0.00041; 1000 Genomes Project 30x 0.00047; 1000 Genomes Project 0.00060.
gnomAD v4.1: 333 of 1,611,262 alleles (0.021%); highest among the groups gnomAD compares: South Asian, 0.32%; 5 homozygotes.

Submissions (2):

Labcorp Genetics (formerly Invitae), Labcorp
Classification: Benign. Last evaluated: 2025-12-11. Review status: criteria provided, single submitter. Criteria: Invitae Variant Classification Sherloc (09022015). Collection method: clinical testing. Allele origin: germline.

PreventionGenetics, part of Exact Sciences
Classification: Likely benign for ATP6V1A-related condition. Last evaluated: 2025-05-27. Review status: criteria provided, single submitter. Criteria: ACMG Guidelines, 2015. Collection method: clinical testing. Allele origin: germline.
Comment: This variant is classified as likely benign based on ACMG/AMP sequence variant interpretation guidelines (Richards et al. 2015 PMID: 25741868, with internal and published modifications).